The following is an entry in ClinVar:

NM_012463.4(ATP6V0A2):c.2491G>A (p.Val831Ile)

Gene: ATP6V0A2 (ATPase H+ transporting V0 subunit a2; plus strand). Cytogenetic location: 12q24.31.
Variant type: single nucleotide variant.
Coding change: c.2491G>A on transcript NM_012463.4 (MANE Select); coding-DNA position 2491, G replaced by A.
Protein change: p.Val831Ile; replaces valine 831 with isoleucine.
Molecular consequence: missense variant.
Genome position (GRCh38, 1-based): chr12:123,757,952, G>A. VCF-style: chr12-123757952-G-A. GRCh37 (hg19) VCF-style: chr12-124242499-G-A.
Other names: c.2491G>A (NM_012463.3); short protein forms V831I.
Identifiers: ClinVar variation 1901905 (VCV001901905.3), dbSNP rs774595060, ClinGen allele CA6862275.
Genomic context (GRCh38, chr12:123,757,952, plus strand): 5'-ATCTTCCATTAATACATGGCTTTTTTTTTTTTTAGGGTAGAATTTCAGAACAAATTCTAC[G>A]TTGGTGCAGGCACCAAATTTGTTCCTTTCTCATTCAGTCTACTTTCATCAAAGTTCAATA-3'
Protein context (NP_036595.2, residues 821-841): HWVEFQNKFY[Val831Ile]GAGTKFVPFS

ClinVar aggregate classification (germline): Uncertain significance. Review status: criteria provided, multiple submitters, no conflicts (2 of 4 stars). 2 submissions from 2 submitters: Uncertain significance (2). Last evaluated 2025-04-01.

Conditions:
ALG9 congenital disorder of glycosylation (CDG1L). Also called: CDG Il; CONGENITAL DISORDER OF GLYCOSYLATION, TYPE Il; ALG9-CDG. Identifiers: Orphanet 79328, MedGen C2931006, MONDO:0012117, OMIM 608776.

Allele frequency attached by ClinVar (database versions not stated): TOPMed below 0.00001; ExAC 0.00002; gnomAD 0.00002; gnomAD exomes 0.00003.
gnomAD v4.1: 41 of 1,599,808 alleles (0.0026%); highest among the groups gnomAD compares: Non-Finnish European, 0.003%; no homozygotes.

Submissions (2):

GeneDx
Classification: Uncertain significance. Last evaluated: 2025-04-01. Review status: criteria provided, single submitter. Criteria: GeneDx Variant Classification Process June 2021. Collection method: clinical testing. Allele origin: germline. Affected: yes.
Comment: Not observed at significant frequency in large population cohorts (gnomAD); In silico analysis indicates that this missense variant does not alter protein structure/function; Has not been previously published as pathogenic or benign to our knowledge

Labcorp Genetics (formerly Invitae), Labcorp
Classification: Uncertain significance for ALG9 congenital disorder of glycosylation. Last evaluated: 2022-05-15. Review status: criteria provided, single submitter. Criteria: Invitae Variant Classification Sherloc (09022015). Collection method: clinical testing. Allele origin: germline.
Comment: This sequence change replaces valine, which is neutral and non-polar, with isoleucine, which is neutral and non-polar, at codon 831 of the ATP6V0A2 protein (p.Val831Ile). This variant is present in population databases (rs774595060, gnomAD 0.003%). This variant has not been reported in the literature in individuals affected with ATP6V0A2-related conditions. Algorithms developed to predict the effect of missense changes on protein structure and function output the following: SIFT: "Tolerated"; PolyPhen-2: "Benign"; Align-GVGD: "Class C0". The isoleucine amino acid residue is found in multiple mammalian species, which suggests that this missense change does not adversely affect protein function. In summary, the available evidence is currently insufficient to determine the role of this variant in disease. Therefore, it has been classified as a Variant of Uncertain Significance.